The following is an entry in ClinVar:

NM_001710.6(CFB):c.1331C>G (p.Ser444Cys)

Gene: CFB (complement factor B; plus strand). Cytogenetic location: 6p21.33.
Variant type: single nucleotide variant.
Coding change: c.1331C>G on transcript NM_001710.6 (MANE Select); coding-DNA position 1331, C replaced by G.
Protein change: p.Ser444Cys; replaces serine 444 with cysteine.
Molecular consequence: missense variant.
Genome position (GRCh38, 1-based): chr6:31,949,480, C>G. VCF-style: chr6-31949480-C-G. GRCh37 (hg19) VCF-style: chr6-31917257-C-G.
Other names: short protein forms S444C.
Identifiers: ClinVar variation 2015265 (VCV002015265.4), dbSNP rs758532420, ClinGen allele CA3728302.

ClinVar aggregate classification (germline): Uncertain significance (1 of 4 stars; one submission).

Allele frequency attached by ClinVar (database versions not stated): ExAC 0.00001.
gnomAD v4.1: 6 of 1,614,014 alleles (0.00037%); highest among the groups gnomAD compares: Non-Finnish European, 0.00042%; no homozygotes.

Submission:

Labcorp Genetics (formerly Invitae), Labcorp
Classification: Uncertain significance. Last evaluated: 2022-07-09. Review status: criteria provided, single submitter. Criteria: Invitae Variant Classification Sherloc (09022015). Collection method: clinical testing. Allele origin: germline.
Comment: This sequence change replaces serine, which is neutral and polar, with cysteine, which is neutral and slightly polar, at codon 444 of the CFB protein (p.Ser444Cys). This variant is present in population databases (rs758532420, gnomAD 0.0009%). This variant has not been reported in the literature in individuals affected with CFB-related conditions. Algorithms developed to predict the effect of missense changes on protein structure and function are either unavailable or do not agree on the potential impact of this missense change (SIFT: "Deleterious"; PolyPhen-2: "Probably Damaging"; Align-GVGD: "Class C15"). In summary, the available evidence is currently insufficient to determine the role of this variant in disease. Therefore, it has been classified as a Variant of Uncertain Significance.